The following is an entry in ClinVar:

ClinVar aggregate classification (germline): Benign. Review status: criteria provided, multiple submitters, no conflicts (2 of 4 stars). 2 submissions from 2 submitters: Benign (2). Last evaluated 2026-02-04.

Allele frequency attached by ClinVar (database versions not stated): TOPMed 0.00657; 1000 Genomes Project 0.00659; ESP Exome Variant Server 0.00730; gnomAD exomes 0.00063 and 0.00161; ExAC 0.00199; gnomAD 0.00585 and 0.00638; 1000 Genomes Project 30x 0.00640.
gnomAD v4.1: 1,842 of 1,614,062 alleles (0.11%); highest among the groups gnomAD compares: African/African-American, 2.1%; 21 homozygotes.

Submissions (2):

Labcorp Genetics (formerly Invitae), Labcorp
Classification: Benign. Last evaluated: 2026-02-04. Review status: criteria provided, single submitter. Criteria: Invitae Variant Classification Sherloc (09022015). Collection method: clinical testing. Allele origin: germline.

Mayo Clinic Laboratories, Mayo Clinic
Classification: Benign. Last evaluated: 2021-07-27. Review status: criteria provided, single submitter. Criteria: ACMG Guidelines, 2015. Collection method: clinical testing. Allele origin: germline. Observed: 3 variant alleles.
Comment: BS1, BS2, BP4, BP7

NM_004750.5(CRLF1):c.447G>A (p.Lys149=)

Gene: CRLF1 (cytokine receptor like factor 1; minus strand). Cytogenetic location: 19p13.11.
Variant type: single nucleotide variant.
Coding change: c.447G>A on transcript NM_004750.5 (MANE Select); coding-DNA position 447, G replaced by A.
Protein change: p.Lys149=; no amino-acid change (lysine 149 retained).
Molecular consequence: synonymous variant.
Genome position (GRCh38, 1-based): chr19:18,598,852, C>T on the plus strand (G>A on the coding strand, the complement: CRLF1 is on the minus strand). VCF-style: chr19-18598852-C-T. GRCh37 (hg19) VCF-style: chr19-18709662-C-T.
Other names: p.Lys149=.
Identifiers: ClinVar variation 711726 (VCV000711726.10), dbSNP rs114059820, ClinGen allele CA9314243.